The following is an entry in ClinVar:

NM_004859.4(CLTC):c.3334dup (p.Ala1112fs)

Gene: CLTC (clathrin heavy chain; plus strand). Cytogenetic location: 17q23.1.
Variant type: Duplication.
Coding change: c.3334dup on transcript NM_004859.4 (MANE Select); coding-DNA position 3334, one base duplicated (G; older notation c.3334dupG).
Protein change: p.Ala1112fs; shifts the reading frame from alanine 1112.
Molecular consequence: frameshift variant.
Genome position (GRCh38, 1-based): chr17:59,681,731, G duplicated. VCF-style (leftmost placement, unchanged base first): chr17-59681730-T-TG. GRCh37 (hg19) VCF-style: chr17-57759091-T-TG.
Other names: c.3346dup, p.Ala1116fs (NM_001288653.2); short protein forms A1112fs, A1116fs.
Identifiers: ClinVar variation 4850705 (VCV004850705.1).

ClinVar aggregate classification (germline): Likely pathogenic (1 of 4 stars; one submission).

Conditions:
Intellectual developmental disorder, autosomal dominant 56. Also called: MENTAL RETARDATION, AUTOSOMAL DOMINANT 56; Intellectual disability, autosomal dominant 56. Identifiers: MedGen C4693389, MONDO:0030922, OMIM 617854.

Submission:

Variantyx, Inc.
Classification: Likely pathogenic for Intellectual developmental disorder, autosomal dominant 56. Last evaluated: 2025-06-27. Review status: criteria provided, single submitter. Criteria: Variantyx Assertion Criteria 2022. Collection method: clinical testing. Allele origin: germline. Inheritance: Autosomal dominant inheritance. Affected: yes.
Comment: This is a frameshift variant in the CLTC gene (OMIM: 118955). Pathogenic variants in this gene have been associated with autosomal dominant intellectual developmental disorder 56. This variant is located in exon 21 out of 32 and introduces a premature termination codonand is expected to result in loss of function, which is a known disease mechanism for CLTC in this disorder (PMID: 29100083) (PVS1). This variant is absent from control populations (PM2), and it has not been reported in individuals with CLTC-related disorders in the databases available for review. Based on the current evidence, this variant is classified as likely pathogenic for autosomal dominant intellectual developmental disorder 56.

Literature cited by the submitters: PubMed 29100083.